The following is an entry in ClinVar:

NM_001099922.3(ALG13):c.834+3A>G

Gene: ALG13 (ALG13 UDP-N-acetylglucosaminyltransferase subunit; plus strand). Cytogenetic location: Xq23.
Variant type: single nucleotide variant.
Coding change: c.834+3A>G on transcript NM_001099922.3 (MANE Select); 3 bases into the intron after coding-DNA position 834, A replaced by G.
Molecular consequence: intron variant.
Genome position (GRCh38, 1-based): chrX:111,709,051, A>G. VCF-style: chrX-111709051-A-G. GRCh37 (hg19) VCF-style: chrX-110952279-A-G.
Other names: c.522+3A>G (NM_001257237.2, NM_001324293.1, NM_001257234.2 and 1 more transcripts); c.600+3A>G (NM_001257231.2); c.834+3A>G (NM_001324292.2).
Identifiers: ClinVar variation 1045671 (VCV001045671.11), dbSNP rs370066652, ClinGen allele CA10493585.

ClinVar aggregate classification (germline): Uncertain significance. Review status: criteria provided, multiple submitters, no conflicts (2 of 4 stars). 4 submissions from 4 submitters: Uncertain significance (4). Last evaluated 2025-09-15.

Conditions:
Developmental and epileptic encephalopathy, 36 (DEE36). Also called: ALG13-CDG; Epileptic encephalopathy, early infantile, 36; Congenital disorder of glycosylation, type Is. Identifiers: Orphanet 324422, MedGen C4317295, MONDO:0010472, OMIM 300884.

Allele frequency attached by ClinVar (database versions not stated): gnomAD 0.00002; gnomAD exomes below 0.00001 and 0.00002; ESP Exome Variant Server 0.00025; TOPMed 0.00006; ExAC 0.00007.
gnomAD v4.1: 7 of 1,118,094 alleles (0.00063%); highest among the groups gnomAD compares: African/African-American, 0.011%; no homozygotes.

Submissions (4):

Labcorp Genetics (formerly Invitae), Labcorp
Classification: Uncertain significance for Developmental and epileptic encephalopathy, 36. Last evaluated: 2025-09-15. Review status: criteria provided, single submitter. Criteria: Invitae Variant Classification Sherloc (09022015). Collection method: clinical testing. Allele origin: germline.
Comment: This sequence change falls in intron 5 of the ALG13 gene. It does not directly change the encoded amino acid sequence of the ALG13 protein. It affects a nucleotide within the consensus splice site. The frequency data for this variant in the population databases is considered unreliable, as metrics indicate poor data quality at this position in the gnomAD database. This variant has not been reported in the literature in individuals affected with ALG13-related conditions. ClinVar contains an entry for this variant (Variation ID: 1045671). Variants that disrupt the consensus splice site are a relatively common cause of aberrant splicing (PMID: 17576681, 9536098). Algorithms developed to predict the effect of sequence changes on RNA splicing suggest that this variant may disrupt the consensus splice site. In summary, the available evidence is currently insufficient to determine the role of this variant in disease. Therefore, it has been classified as a Variant of Uncertain Significance.

Greenwood Genetic Center Diagnostic Laboratories, Greenwood Genetic Center
Classification: Uncertain significance. Last evaluated: 2022-06-08. Review status: criteria provided, single submitter. Criteria: ACMG Guidelines, 2015. Collection method: clinical testing. Allele origin: germline. Affected: yes.
Comment: PM2

Fulgent Genetics
Classification: Uncertain significance for Developmental and epileptic encephalopathy, 36. Last evaluated: 2021-11-27. Review status: criteria provided, single submitter. Criteria: ACMG Guidelines, 2015. Collection method: clinical testing. Allele origin: unknown.

GeneDx
Classification: Uncertain significance. Last evaluated: 2019-08-12. Review status: criteria provided, single submitter. Criteria: GeneDx Variant Classification Process June 2021. Collection method: clinical testing. Allele origin: germline. Affected: yes.
Comment: In-silico analysis, which includes splice predictors and evolutionary conservation, is inconclusive as to whether the variant alters gene splicing. In the absence of RNA/functional studies, the actual effect of this sequence change is unknown.; Has not been previously published as pathogenic or benign to our knowledge

Literature cited by the submitters: PubMed 17576681 (cited by Labcorp Genetics (formerly Invitae), Labcorp); PubMed 9536098 (cited by Labcorp Genetics (formerly Invitae), Labcorp).